The following is an entry in ClinVar:

ClinVar aggregate classification (germline): Uncertain significance (1 of 4 stars; one submission).

Allele frequency attached by ClinVar (database versions not stated): TOPMed below 0.00001; gnomAD exomes 0.00001.
gnomAD v4.1: 8 of 1,599,378 alleles (0.0005%); highest among the groups gnomAD compares: Non-Finnish European, 0.00068%; no homozygotes.

Submission:

Labcorp Genetics (formerly Invitae), Labcorp
Classification: Uncertain significance. Last evaluated: 2021-06-15. Review status: criteria provided, single submitter. Criteria: Invitae Variant Classification Sherloc (09022015). Collection method: clinical testing. Allele origin: germline.
Comment: In summary, the available evidence is currently insufficient to determine the role of this variant in disease. Therefore, it has been classified as a Variant of Uncertain Significance. This sequence change falls in intron 36 of the ABCA4 gene. It does not directly change the encoded amino acid sequence of the ABCA4 protein. It affects a nucleotide within the consensus splice site of the intron. This variant is not present in population databases (ExAC no frequency). This variant has not been reported in the literature in individuals with ABCA4-related conditions. Nucleotide substitutions within the consensus splice site are a relatively common cause of aberrant splicing (PMID: 17576681, 9536098). Algorithms developed to predict the effect of sequence changes on RNA splicing suggest that this variant may disrupt the consensus splice site, but this prediction has not been confirmed by published transcriptional studies.

Literature cited by the submitters: PubMed 17576681; PubMed 9536098.

NM_000350.3(ABCA4):c.5196+6T>C

Gene: ABCA4 (ATP binding cassette subfamily A member 4; minus strand). Cytogenetic location: 1p22.1.
Variant type: single nucleotide variant.
Coding change: c.5196+6T>C on transcript NM_000350.3 (MANE Select); 6 bases into the intron after coding-DNA position 5196, T replaced by C.
Molecular consequence: intron variant.
Genome position (GRCh38, 1-based): chr1:94,019,576, A>G on the plus strand (T>C on the coding strand, the complement: ABCA4 is on the minus strand). VCF-style: chr1-94019576-A-G. GRCh37 (hg19) VCF-style: chr1-94485132-A-G.
Identifiers: ClinVar variation 1444566 (VCV001444566.6), dbSNP rs1226023826, ClinGen allele CA740507190.